The following is an entry in ClinVar:

NM_153252.5(BRWD3):c.907A>C (p.Lys303Gln)

Gene: BRWD3 (bromodomain and WD repeat domain containing 3; minus strand). Cytogenetic location: Xq21.1.
Variant type: single nucleotide variant.
Coding change: c.907A>C on transcript NM_153252.5 (MANE Select); coding-DNA position 907, A replaced by C.
Protein change: p.Lys303Gln; replaces lysine 303 with glutamine.
Molecular consequence: missense variant.
Genome position (GRCh38, 1-based): chrX:80,735,995, T>G on the plus strand (A>C on the coding strand, the complement: BRWD3 is on the minus strand). VCF-style: chrX-80735995-T-G. GRCh37 (hg19) VCF-style: chrX-79991494-T-G.
Other names: short protein forms K303Q.
Identifiers: ClinVar variation 3365793 (VCV003365793.1).

ClinVar aggregate classification (germline): Uncertain significance (1 of 4 stars; one submission).

Submission:

GeneDx
Classification: Uncertain significance. Last evaluated: 2023-12-14. Review status: criteria provided, single submitter. Criteria: GeneDx Variant Classification Process June 2021. Collection method: clinical testing. Allele origin: germline. Affected: yes.
Comment: Not observed at significant frequency in large population cohorts (gnomAD); In silico analysis supports that this missense variant does not alter protein structure/function; Has not been previously published as pathogenic or benign to our knowledge